The following is an entry in ClinVar:

ClinVar aggregate classification (germline): Conflicting classifications of pathogenicity. Review status: criteria provided, conflicting classifications (1 of 4 stars). 18 submissions from 18 submitters: Uncertain significance (12); Likely benign (3). 3 of the submissions do not count toward it. Last evaluated 2026-09-16.

Conditions:
ATM-related disorder. Also called: ATM-related disorders; ATM-related condition.
Hereditary cancer. Identifiers: MedGen C1333600.
Hereditary cancer-predisposing syndrome. Also called: Neoplastic Syndromes, Hereditary; Tumor predisposition; Hereditary Cancer Syndrome; Hereditary neoplastic syndrome. Identifiers: Orphanet 140162, MedGen C0027672, MeSH D009386, MONDO:0015356.
Ataxia-telangiectasia syndrome (AT). Also called: LOUIS-BAR SYNDROME; Cerebello-oculocutaneous telangiectasia; Immunodeficiency with ataxia telangiectasia; Ataxia-telangiectasia, complementation group D; Ataxia-telangiectasia, complementation group E; Ataxia telangiectasia (A-T). Identifiers: Orphanet 100, MedGen C0004135, MONDO:0008840, OMIM 208900.
Familial cancer of breast. Also called: hereditary breast carcinoma; Hereditary breast cancer; BREAST CANCER, FAMILIAL. Identifiers: Orphanet 227535, MedGen C0346153, MONDO:0016419, OMIM 114480. Disease mechanism: loss of function.

Allele frequency attached by ClinVar (database versions not stated): gnomAD exomes 0.00001; TOPMed 0.00001; gnomAD 0.00003 and 0.00005; 1000 Genomes Project 30x 0.00016; 1000 Genomes Project 0.00020.
gnomAD v4.1: 24 of 1,613,784 alleles (0.0015%); highest among the groups gnomAD compares: South Asian, 0.014%; no homozygotes.

Submissions 1 to 11 of 18:

PreventionGenetics, part of Exact Sciences
Classification: Uncertain significance for ATM-related condition. Last evaluated: 2026-09-16. Review status: criteria provided, single submitter. Criteria: ACMG Guidelines, 2015. Collection method: clinical testing. Allele origin: germline.
Comment: The ATM c.649A>G variant is predicted to result in the amino acid substitution p.Ile217Val. This variant has been reported in individuals with a history of breast cancer and prostate cancer (listed as g.chr11_108114832_A_G in Supplementary Table, Dorling et al. 2021. PubMed ID: 33471991; Paulo et al. 2018. PubMed ID: 29659569), but has also been reported in control cohorts (Table S3, Weitzel et al. 2019. PubMed ID: 31206626). Multiple in silico prediction tools predict this variant to be tolerated (Table S2, Paulo et al. 2018. PubMed ID: 29659569). This variant is reported in 0.0040% of alleles in individuals of African descent in gnomAD and and has conflicting interpretations in ClinVar ranging from likely benign to uncertain (Variation ID: 133639). At this time, the clinical significance of this variant is uncertain due to the absence of conclusive functional and genetic evidence.

Women's Health and Genetics/Laboratory Corporation of America, LabCorp
Classification: Uncertain significance. Last evaluated: 2026-01-26. Review status: criteria provided, single submitter. Criteria: LabCorp Variant Classification Summary - May 2015. Collection method: clinical testing. Allele origin: germline.
Comment: Variant summary: ATM c.649A>G (p.Ile217Val) results in a conservative amino acid change in the encoded protein sequence. Algorithms developed to predict the effect of missense changes on protein structure and function all suggest that this variant is likely to be tolerated. The variant allele was found at a frequency of 8e-06 in 251194 control chromosomes (gnomAD). The available data on variant occurrences in the general population are insufficient to allow any conclusion about variant significance. c.649A>G has been observed in individuals affected with prostate cancer or breat cancer (Paulo_2018, Dorling_2021). These reports do not provide unequivocal conclusions about association of the variant with Breast Cancer. To our knowledge, no experimental evidence demonstrating an impact on protein function has been reported. The following publications have been ascertained in the context of this evaluation (PMID: 29659569, 33471991). ClinVar contains an entry for this variant (Variation ID: 133639). Based on the evidence outlined above, the variant was classified as uncertain significance.

Labcorp Genetics (formerly Invitae), Labcorp
Classification: Uncertain significance for Ataxia-telangiectasia syndrome. Last evaluated: 2026-01-14. Review status: criteria provided, single submitter. Criteria: Invitae Variant Classification Sherloc (09022015). Collection method: clinical testing. Allele origin: germline.
Comment: This sequence change replaces isoleucine, which is neutral and non-polar, with valine, which is neutral and non-polar, at codon 217 of the ATM protein (p.Ile217Val). This variant is present in population databases (rs547045780, gnomAD 0.006%). This missense change has been observed in individual(s) with prostate cancer, breast cancer (PMID: 29659569, 35451682). ClinVar contains an entry for this variant (Variation ID: 133639). Invitae Evidence Modeling of protein sequence and biophysical properties (such as structural, functional, and spatial information, amino acid conservation, physicochemical variation, residue mobility, and thermodynamic stability) indicates that this missense variant is not expected to disrupt ATM protein function with a negative predictive value of 95%. In summary, the available evidence is currently insufficient to determine the role of this variant in disease. Therefore, it has been classified as a Variant of Uncertain Significance.

Mendelics
Classification: Likely benign for Hereditary cancer. Last evaluated: 2024-09-11. Review status: criteria provided, single submitter. Criteria: ACMG Guidelines, 2015. Collection method: clinical testing. Allele origin: unknown.
Comment: This variant is considered likely benign or benign based on one or more of the following: it is predicted to be benign by multiple in silico algorithms, and/or has population frequency not consistent with disease, and/or has normal protein function, and/or has lack of segregation with disease, and/or has been detected in co-occurrence with known pathogenic variant, and/or has lack of disease association in case-control studies, and/or is located in a region inconsistent with a known cause of pathogenicity.

Institute for Biomarker Research, Medical Diagnostic Laboratories, L.L.C.
Classification: Uncertain significance for Hereditary cancer-predisposing syndrome. Last evaluated: 2024-08-12. Review status: criteria provided, single submitter. Criteria: ACMG Guidelines, 2015. Collection method: clinical testing. Allele origin: germline.
Comment: The variant is observed in one or more well-documented healthy adults. There is a small physicochemical difference between isoleucine and valine, which is not likely to impact secondary protein structure as these residues share similar properties. The gene ATM has a low rate of benign missense variation as indicated by a high missense variants Z-Score of 2.52. The gene ATM contains 167 pathogenic missense variants, indicating that missense variants are a common mechanism of disease in this gene. For these reasons, this variant has been classified as Uncertain Significance.

Myriad Genetics, Inc.
Classification: Likely benign for Familial cancer of breast. Last evaluated: 2024-04-22. Review status: criteria provided, single submitter. Criteria: Myriad Autosomal Dominant, Autosomal Recessive and X-Linked Classification Criteria (2023). Collection method: clinical testing. Allele origin: unknown.
Comment: This variant is considered likely benign. This variant is strongly associated with less severe personal and family histories of cancer, typical for individuals without pathogenic variants in this gene [PMID: 25085752].

Ambry Genetics
Classification: Likely benign for Hereditary cancer-predisposing syndrome. Last evaluated: 2024-04-04. Review status: criteria provided, single submitter. Criteria: Ambry Variant Classification Scheme 2023. Collection method: clinical testing. Allele origin: germline.

Athena Diagnostics
Classification: Uncertain significance. Last evaluated: 2024-03-13. Review status: criteria provided, single submitter. Criteria: Athena Diagnostics Criteria. Collection method: clinical testing. Allele origin: unknown.
Comment: Available data are insufficient to determine the clinical significance of the variant at this time. The frequency of this variant in the general population is uninformative in assessment of its pathogenicity. Computational tools predict that this variant is not damaging.

Quest Diagnostics Nichols Institute San Juan Capistrano
Classification: Uncertain significance. Last evaluated: 2023-10-03. Review status: criteria provided, single submitter. Criteria: Quest Diagnostics criteria. Collection method: clinical testing. Allele origin: unknown.
Comment: The ATM variant has been reported in the published literature in a reportedly healthy individual (PMID: 24728327 (2014)), as well as in two breast cancer cases in a large-scale breast cancer association study (PMID: 33471991 (2021), see also LOVD). The frequency of this variant in the general population, 0.000014 (4/282528 chromosomes (Genome Aggregation Database)), is uninformative in the assessment of its pathogenicity. Analysis of this variant using bioinformatics tools for the prediction of the effect of amino acid changes on protein structure and function yielded predictions that this variant is benign. Based on the available information, we are unable to determine the clinical significance of this variant.

Baylor Genetics
Classification: Uncertain significance for Familial cancer of breast. Last evaluated: 2023-08-24. Review status: criteria provided, single submitter. Criteria: ACMG Guidelines, 2015. Collection method: clinical testing. Allele origin: unknown.

GeneDx
Classification: Uncertain significance. Last evaluated: 2023-05-26. Review status: criteria provided, single submitter. Criteria: GeneDx Variant Classification Process June 2021. Collection method: clinical testing. Allele origin: germline. Affected: yes.
Comment: Not observed at significant frequency in large population cohorts (gnomAD); In silico analysis supports that this missense variant does not alter protein structure/function; This variant is associated with the following publications: (PMID: 33471991, 31206626, 29659569, 24728327)

NM_000051.4(ATM):c.649A>G (p.Ile217Val)

Gene: ATM (ATM serine/threonine kinase; plus strand). Cytogenetic location: 11q22.3.
Variant type: single nucleotide variant.
Coding change: c.649A>G on transcript NM_000051.4 (MANE Select); coding-DNA position 649, A replaced by G.
Protein change: p.Ile217Val; replaces isoleucine 217 with valine.
Molecular consequence: missense variant.
Genome position (GRCh38, 1-based): chr11:108,244,105, A>G. VCF-style: chr11-108244105-A-G. GRCh37 (hg19) VCF-style: chr11-108114832-A-G.
Other names: c.649A>G, p.Ile217Val (NM_001351834.2); short protein forms I217V.
Identifiers: ClinVar variation 133639 (VCV000133639.47), dbSNP rs547045780, ClinGen allele CA157189.